The following is an entry in ClinVar:

ClinVar aggregate classification (germline): Uncertain significance. Review status: criteria provided, multiple submitters, no conflicts (2 of 4 stars). 2 submissions from 2 submitters: Uncertain significance (2). Last evaluated 2025-07-08.

Allele frequency attached by ClinVar (database versions not stated): ExAC 0.00001; gnomAD 0.00001; TOPMed 0.00001; gnomAD exomes 0.00002 and 0.00004; ESP Exome Variant Server 0.00008.
gnomAD v4.1: 58 of 1,613,232 alleles (0.0036%); highest among the groups gnomAD compares: Non-Finnish European, 0.0043%; no homozygotes.

Submissions (2):

Labcorp Genetics (formerly Invitae), Labcorp
Classification: Uncertain significance. Last evaluated: 2025-07-08. Review status: criteria provided, single submitter. Criteria: Invitae Variant Classification Sherloc (09022015). Collection method: clinical testing. Allele origin: germline.
Comment: This sequence change replaces proline, which is neutral and non-polar, with leucine, which is neutral and non-polar, at codon 207 of the TANGO2 protein (p.Pro207Leu). This variant is present in population databases (rs369450914, gnomAD 0.005%). This variant has not been reported in the literature in individuals affected with TANGO2-related conditions. ClinVar contains an entry for this variant (Variation ID: 1523099). An algorithm developed to predict the effect of missense changes on protein structure and function (PolyPhen-2) suggests that this variant is likely to be disruptive. In summary, the available evidence is currently insufficient to determine the role of this variant in disease. Therefore, it has been classified as a Variant of Uncertain Significance.

Blueprint Genetics
Classification: Uncertain significance. Last evaluated: 2022-08-29. Review status: criteria provided, single submitter. Criteria: ACMG Guidelines, 2015. Collection method: clinical testing. Allele origin: germline.

NM_152906.7(TANGO2):c.620C>T (p.Pro207Leu)

Gene: TANGO2 (transport and golgi organization 2 homolog; plus strand). Cytogenetic location: 22q11.21.
Variant type: single nucleotide variant.
Coding change: c.620C>T on transcript NM_152906.7 (MANE Select); coding-DNA position 620, C replaced by T.
Protein change: p.Pro207Leu; replaces proline 207 with leucine.
Molecular consequence: missense variant. On other transcripts: synonymous variant (5), non-coding transcript variant (5), intron variant (1).
Genome position (GRCh38, 1-based): chr22:20,063,352, C>T. VCF-style: chr22-20063352-C-T. GRCh37 (hg19) VCF-style: chr22-20050875-C-T.
Other names: c.620C>T, p.Pro207Leu (NM_001283106.3, NM_001283116.3, NM_001322142.2); c.743C>T, p.Pro248Leu (NM_001283129.3, NM_001322141.2, NM_001322143.2); c.618C>T, p.Pro206= (NM_001283148.3, NM_001283154.3); c.434C>T, p.Pro145Leu (NM_001283179.3, NM_001283186.3, NM_001322163.2 and 2 more transcripts); c.395C>T, p.Pro132Leu (NM_001283199.3); c.326C>T, p.Pro109Leu (NM_001283235.3, NM_001322150.2, NM_001322153.2 and 6 more transcripts); c.280C>T, p.Arg94Trp (NM_001283248.3); c.741C>T, p.Pro247= (NM_001322144.2); and 5 more; short protein forms P109L, P145L, P173L, R94W, P132L, P186L, P207L, P248L.
Identifiers: ClinVar variation 1523099 (VCV001523099.7), dbSNP rs369450914, ClinGen allele CA10106513.